The following is an entry in ClinVar:

ClinVar aggregate classification (germline): Uncertain significance (1 of 4 stars; one submission).

Conditions:
Familial infantile myasthenia (CMS6). Also called: Congenital myasthenic syndrome type 6; MYASTHENIC SYNDROME, PRESYNAPTIC, CONGENITAL, ASSOCIATED WITH EPISODIC APNEA; MYASTHENIC SYNDROME, CONGENITAL, 6, PRESYNAPTIC. Identifiers: Orphanet 590, MedGen C0393929, MONDO:0009689, OMIM 254210.

Allele frequency attached by ClinVar (database versions not stated): TOPMed below 0.00001.

Submission:

Labcorp Genetics (formerly Invitae), Labcorp
Classification: Uncertain significance for Familial infantile myasthenia. Last evaluated: 2021-11-30. Review status: criteria provided, single submitter. Criteria: Invitae Variant Classification Sherloc (09022015). Collection method: clinical testing. Allele origin: germline.
Comment: This sequence change replaces alanine, which is neutral and non-polar, with glycine, which is neutral and non-polar, at codon 85 of the CHAT protein (p.Ala85Gly). This variant is not present in population databases (gnomAD no frequency). This variant has not been reported in the literature in individuals affected with CHAT-related conditions. ClinVar contains an entry for this variant (Variation ID: 570730). In summary, the available evidence is currently insufficient to determine the role of this variant in disease. Therefore, it has been classified as a Variant of Uncertain Significance. Advanced modeling of protein sequence and biophysical properties (such as structural, functional, and spatial information, amino acid conservation, physicochemical variation, residue mobility, and thermodynamic stability) performed at Invitae indicates that this missense variant is not expected to disrupt CHAT protein function.

NM_020549.5(CHAT):c.254C>G (p.Ala85Gly)

Gene: CHAT (choline O-acetyltransferase; plus strand). Cytogenetic location: 10q11.23.
Variant type: single nucleotide variant.
Coding change: c.254C>G on transcript NM_020549.5 (MANE Select); coding-DNA position 254, C replaced by G.
Protein change: p.Ala85Gly; replaces alanine 85 with glycine.
Molecular consequence: missense variant. On other transcripts: 5 prime UTR variant (4), intron variant (2).
Genome position (GRCh38, 1-based): chr10:49,614,443, C>G. VCF-style: chr10-49614443-C-G. GRCh37 (hg19) VCF-style: chr10-50822489-C-G.
Other names: c.-101C>G (NM_001142929.2, NM_020985.4); c.-63C>G (NM_001142933.2); c.-171C>G (NM_001142934.2); c.-68-2059C>G (NM_020984.4); c.-69+1241C>G (NM_020986.4); short protein forms A85G.
Identifiers: ClinVar variation 570730 (VCV000570730.7), dbSNP rs1564469074, ClinGen allele CA376725427.